The following is an entry in ClinVar:

NM_032578.4(MYPN):c.2056A>G (p.Lys686Glu)

Gene: MYPN (myopalladin; plus strand). Cytogenetic location: 10q21.3.
Variant type: single nucleotide variant.
Coding change: c.2056A>G on transcript NM_032578.4 (MANE Select); coding-DNA position 2056, A replaced by G.
Protein change: p.Lys686Glu; replaces lysine 686 with glutamic acid.
Molecular consequence: missense variant. On other transcripts: non-coding transcript variant (2).
Genome position (GRCh38, 1-based): chr10:68,174,148, A>G. VCF-style: chr10-68174148-A-G. GRCh37 (hg19) VCF-style: chr10-69933905-A-G.
Other names: c.2056A>G, p.Lys686Glu (NM_001256267.2); c.1174A>G, p.Lys392Glu (NM_001256268.2); short protein forms K686E, K392E.
Identifiers: ClinVar variation 453064 (VCV000453064.2), dbSNP rs1554846782, ClinGen allele CA376844166.

ClinVar aggregate classification (germline): Uncertain significance (1 of 4 stars; one submission).

Submission:

GeneDx
Classification: Uncertain significance. Last evaluated: 2017-11-02. Review status: criteria provided, single submitter. Criteria: GeneDx Variant Classification (06012015). Collection method: clinical testing. Allele origin: germline. Affected: yes.
Comment: A variant of uncertain significance has been identified in the MYPN gene. The K686E variant has not been published as pathogenic or been reported as benign to our knowledge. The K686E variant is not observed in large population cohorts (Lek et al., 2016). The K686E variant is a non-conservative amino acid substitution, which is likely to impact secondary protein structure as these residues differ in polarity, charge, size and/or other properties. However, this substitution occurs at a position that is not conserved and in silico analysis predicts this variant likely does not alter the protein structure/function.